The following is an entry in ClinVar:

NM_000368.5(TSC1):c.25G>A (p.Glu9Lys)

Gene: TSC1 (TSC complex subunit 1; minus strand). Cytogenetic location: 9q34.13.
Variant type: single nucleotide variant.
Coding change: c.25G>A on transcript NM_000368.5 (MANE Select); coding-DNA position 25, G replaced by A.
Protein change: p.Glu9Lys; replaces glutamic acid 9 with lysine.
Molecular consequence: missense variant. On other transcripts: 5 prime UTR variant (16), non-coding transcript variant (5), intron variant (2).
Genome position (GRCh38, 1-based): chr9:132,928,848, C>T on the plus strand (G>A on the coding strand, the complement: TSC1 is on the minus strand). VCF-style: chr9-132928848-C-T. GRCh37 (hg19) VCF-style: chr9-135804235-C-T.
Other names: c.25G>A, p.Glu9Lys (NM_001406612.1, NM_001406613.1, NM_001162426.2 and 21 more transcripts); c.-327G>A (NM_001406614.1); c.-464G>A (NM_001406615.1, NM_001406623.1); c.-431G>A (NM_001406616.1, NM_001406624.1); c.-235G>A (NM_001406617.1, NM_001406619.1, NM_001406621.1 and 3 more transcripts); c.-853G>A (NM_001406626.1, NM_001406627.1, NM_001406628.1); c.-153-3109G>A (NM_001406620.1, NM_001406618.1); c.-995G>A (NM_001406629.1); and 1 more; short protein forms E9K.
Identifiers: ClinVar variation 2888619 (VCV002888619.3), dbSNP rs1847040374, ClinGen allele CA375375423.

ClinVar aggregate classification (germline): Uncertain significance (1 of 4 stars; one submission).

Conditions:
Tuberous sclerosis 1 (TSC1). Identifiers: Orphanet 805, MedGen C1854465, MONDO:0008612, OMIM 191100.

Submission:

Labcorp Genetics (formerly Invitae), Labcorp
Classification: Uncertain significance for Tuberous sclerosis 1. Last evaluated: 2024-08-04. Review status: criteria provided, single submitter. Criteria: Invitae Variant Classification Sherloc (09022015). Collection method: clinical testing. Allele origin: germline.
Comment: This sequence change replaces glutamic acid, which is acidic and polar, with lysine, which is basic and polar, at codon 9 of the TSC1 protein (p.Glu9Lys). This variant is not present in population databases (gnomAD no frequency). This variant has not been reported in the literature in individuals affected with TSC1-related conditions. Advanced modeling of protein sequence and biophysical properties (such as structural, functional, and spatial information, amino acid conservation, physicochemical variation, residue mobility, and thermodynamic stability) performed at Invitae indicates that this missense variant is not expected to disrupt TSC1 protein function with a negative predictive value of 95%. In summary, the available evidence is currently insufficient to determine the role of this variant in disease. Therefore, it has been classified as a Variant of Uncertain Significance.